The following is an entry in ClinVar:

ClinVar aggregate classification (germline): Uncertain significance (1 of 4 stars; one submission).

Submission:

Women's Health and Genetics/Laboratory Corporation of America, LabCorp
Classification: Uncertain significance. Last evaluated: 2024-07-09. Review status: criteria provided, single submitter. Criteria: LabCorp Variant Classification Summary - May 2015. Collection method: clinical testing. Allele origin: germline.
Comment: Variant summary: PKHD1 c.6197A>G (p.Asp2066Gly) results in a non-conservative amino acid change in the encoded protein sequence. Four of five in-silico tools predict a damaging effect of the variant on protein function. The variant was absent in 251130 control chromosomes. The available data on variant occurrences in the general population are insufficient to allow any conclusion about variant significance. c.6197A>G has been reported in the literature in at-least one individual affected with Polycystic Kidney Disease (examples: Rao_2019, Qiu_2020). These data do not allow any conclusion about variant significance. To our knowledge, no experimental evidence demonstrating an impact on protein function has been reported. No submitters have cited clinical-significance assessments for this variant to ClinVar. The following publications have been ascertained in the context of this evaluation (PMID: 31328266, 33123899). Based on the evidence outlined above, the variant was classified as uncertain significance.

Literature cited by the submitters: PubMed 33123899; PubMed 31328266.

NM_138694.4(PKHD1):c.6197A>G (p.Asp2066Gly)

Gene: PKHD1 (PKHD1 ciliary IPT domain containing fibrocystin/polyductin; minus strand). Cytogenetic location: 6p12.2.
Variant type: single nucleotide variant.
Coding change: c.6197A>G on transcript NM_138694.4 (MANE Select); coding-DNA position 6197, A replaced by G.
Protein change: p.Asp2066Gly; replaces aspartic acid 2066 with glycine.
Molecular consequence: missense variant.
Genome position (GRCh38, 1-based): chr6:51,912,501, T>C on the plus strand (A>G on the coding strand, the complement: PKHD1 is on the minus strand). VCF-style: chr6-51912501-T-C. GRCh37 (hg19) VCF-style: chr6-51777299-T-C.
Other names: c.6197A>G, p.Asp2066Gly (NM_170724.3); short protein forms D2066G.
Identifiers: ClinVar variation 3339006 (VCV003339006.1).